The following is an entry in ClinVar:

NM_000051.4(ATM):c.6958G>T (p.Asp2320Tyr)

Genes: ATM (ATM serine/threonine kinase; plus strand), C11orf65 (chromosome 11 open reading frame 65; minus strand). Cytogenetic location: 11q22.3.
Variant type: single nucleotide variant.
Coding change: c.6958G>T on transcript NM_000051.4 (MANE Select); coding-DNA position 6958, G replaced by T.
Protein change: p.Asp2320Tyr; replaces aspartic acid 2320 with tyrosine.
Molecular consequence: missense variant. On other transcripts: intron variant (2).
Genome position (GRCh38, 1-based): chr11:108,326,208, G>T. VCF-style: chr11-108326208-G-T. GRCh37 (hg19) VCF-style: chr11-108196935-G-T.
Other names: c.6958G>T, p.Asp2320Tyr (NM_001351834.2); c.641-17137C>A (NM_001330368.2); c.*38+9012C>A (NM_001351110.2); short protein forms D2320Y.
Identifiers: ClinVar variation 580484 (VCV000580484.10), dbSNP rs1565521026, ClinGen allele CA382557374.
Genomic context (GRCh38, chr11:108,326,208, plus strand): 5'-TGGGCAAAAAAGGAGCAGAGTCTTGCCCTGAGTATTCTCAAGCAAATGATCAAGAAGTTG[G>T]ATGCCAGCTGTGCAGCGGTTTGTTTTTTTTATTGGCTGGATTAGTGTTTTACTGTTATTT-3'
Protein context (NP_000042.3, residues 2310-2330): SILKQMIKKL[Asp2320Tyr]ASCAANNPSL

ClinVar aggregate classification (germline): Uncertain significance. Review status: criteria provided, multiple submitters, no conflicts (2 of 4 stars). 3 submissions from 3 submitters: Uncertain significance (2). 1 of the submissions does not count toward it. Last evaluated 2025-11-10.

Conditions:
Hereditary cancer-predisposing syndrome. Also called: Hereditary Cancer Syndrome; Neoplastic Syndromes, Hereditary; Tumor predisposition; Hereditary neoplastic syndrome. Identifiers: Orphanet 140162, MedGen C0027672, MeSH D009386, MONDO:0015356.
Ataxia-telangiectasia syndrome (AT). Also called: Cerebello-oculocutaneous telangiectasia; Immunodeficiency with ataxia telangiectasia; Ataxia-telangiectasia, complementation group E; Ataxia-telangiectasia, complementation group D; AT, COMPLEMENTATION GROUP C; ATAXIA-TELANGIECTASIA, COMPLEMENTATION GROUP A. Identifiers: Orphanet 100, MedGen C0004135, MONDO:0008840, OMIM 208900.

Submissions (3):

Ambry Genetics
Classification: Uncertain significance for Hereditary cancer-predisposing syndrome. Last evaluated: 2025-11-10. Review status: criteria provided, single submitter. Criteria: Ambry Variant Classification Scheme 2023. Collection method: clinical testing. Allele origin: germline.
Comment: The p.D2320Y variant (also known as c.6958G>T), located in coding exon 46 of the ATM gene, results from a G to T substitution at nucleotide position 6958. The aspartic acid at codon 2320 is replaced by tyrosine, an amino acid with highly dissimilar properties. In an assay testing ATM function, this variant showed a functionally normal result (Lee KS et al. Cell, 2025 Sep;188:5081-5099.e27). This amino acid position is well conserved in available vertebrate species. In addition, the in silico prediction for this alteration is inconclusive. Based on the available evidence, the clinical significance of this variant remains unclear.

Labcorp Genetics (formerly Invitae), Labcorp
Classification: Uncertain significance for Ataxia-telangiectasia syndrome. Last evaluated: 2018-01-29. Review status: criteria provided, single submitter. Criteria: Invitae Variant Classification Sherloc (09022015). Collection method: clinical testing. Allele origin: germline.
Comment: In summary, the available evidence is currently insufficient to determine the role of this variant in disease. Therefore, it has been classified as a Variant of Uncertain Significance. Algorithms developed to predict the effect of sequence changes on RNA splicing suggest that this variant may create or strengthen a splice site, but this prediction has not been confirmed by published transcriptional studies. Algorithms developed to predict the effect of missense changes on protein structure and function do not agree on the potential impact of this missense change (SIFT: "Deleterious"; PolyPhen-2: "Possibly Damaging"; Align-GVGD: "Class C15"). This variant has not been reported in the literature in individuals with ATM-related disease. This variant is not present in population databases (ExAC no frequency). This sequence change replaces aspartic acid with tyrosine at codon 2320 of the ATM protein (p.Asp2320Tyr). The aspartic acid residue is moderately conserved and there is a large physicochemical difference between aspartic acid and tyrosine.

Natera, Inc.
Classification: Uncertain significance for Ataxia-telangiectasia. Last evaluated: 2020-08-13. Review status: no assertion criteria provided. Collection method: clinical testing. Allele origin: germline. Not counted in ClinVar's aggregate classification.

Literature cited by the submitters: PubMed 40580951 (cited by Ambry Genetics).